The following is an entry in ClinVar:

ClinVar aggregate classification (germline): Likely benign (1 of 4 stars; one submission).

Submission:

CeGaT Center for Human Genetics Tuebingen
Classification: Likely benign. Last evaluated: 2026-02-01. Review status: criteria provided, single submitter. Criteria: CeGaT Center For Human Genetics Tuebingen Variant Classification Criteria Version 2. Collection method: clinical testing. Allele origin: germline. Affected: yes. Observed: 1 variant allele.
Comment: USP48: BS1

NM_032236.8(USP48):c.1964-26_1964-25dup

Gene: USP48 (ubiquitin specific peptidase 48; minus strand). Cytogenetic location: 1p36.12.
Variant type: Duplication.
Coding change: c.1964-26_1964-25dup on transcript NM_032236.8 (MANE Select); 26 bases into the intron before coding-DNA position 1964 through 25 bases into the intron before coding-DNA position 1964, 2 bases duplicated (TT; older notation c.1964-26_1964-25dupTT).
Molecular consequence: intron variant.
Genome position (GRCh38, 1-based): chr1:21,706,893-21,706,894, AA duplicated on the plus strand (TT on the coding strand, the reverse complement: USP48 is on the minus strand); duplicating any 2 consecutive bases within chr1:21,706,893-21,706,904 gives the same sequence; the c. name uses the placement nearest the transcript's 3' end. VCF-style (leftmost placement, unchanged base first): chr1-21706892-G-GAA. GRCh37 (hg19) VCF-style: chr1-22033385-G-GAA.
Other names: c.1763-26_1763-25dup (NM_001350164.2); c.1958-26_1958-25dup (NM_001350166.2); c.1961-26_1961-25dup (NM_001350167.2, NM_001350168.2); c.1964-26_1964-25dup (NM_001330394.3).
Identifiers: ClinVar variation 4820658 (VCV004820658.4).
Genomic context (GRCh38, chr1:21,706,892, plus strand): 5'-ACAAGCCTTCTTTCATTTTCAGATATGCATAACTCACCTGAGTTTAAAAAAATATATTTG[G>GAA]AAAAAAAAAAAACAGCTGAAAAAAAGTCATTATCTATTTCCTATTTCTTAAACTTAAGAA-3'